The following is an entry in ClinVar:

NM_001101426.4(CRPPA):c.2T>C (p.Met1Thr)

Genes: CRPPA (CDP-L-ribitol pyrophosphorylase A; minus strand), LOC129998005 (ATAC-STARR-seq lymphoblastoid silent region 17982; plus strand). Cytogenetic location: 7p21.2.
Variant type: single nucleotide variant.
Coding change: c.2T>C on transcript NM_001101426.4 (MANE Select); coding-DNA position 2, T replaced by C.
Protein change: p.Met1Thr; changes the start codon (methionine 1).
Molecular consequence: missense variant, initiator codon variant. On other transcripts: non-coding transcript variant (1).
Genome position (GRCh38, 1-based): chr7:16,421,321, A>G on the plus strand (T>C on the coding strand, the complement: CRPPA is on the minus strand). VCF-style: chr7-16421321-A-G. GRCh37 (hg19) VCF-style: chr7-16460946-A-G.
Other names: c.2T>C, p.Met1Thr (NM_001101417.4, NM_001368197.1); short protein forms M1T.
Identifiers: ClinVar variation 1300727 (VCV001300727.3), dbSNP rs2128321556, ClinGen allele CA367004630.

ClinVar aggregate classification (germline): Likely pathogenic (1 of 4 stars; one submission).

Submission:

GeneDx
Classification: Likely pathogenic. Last evaluated: 2019-04-01. Review status: criteria provided, single submitter. Criteria: GeneDx Variant Classification Process June 2021. Collection method: clinical testing. Allele origin: germline. Affected: yes.
Comment: Has not been previously published as pathogenic or benign to our knowledge; Initiation codon variant in a gene for which loss-of-function is a known mechanism of disease; Not observed in large population cohorts (Lek et al., 2016)